The following is an entry in ClinVar:

NM_032620.4(GTPBP3):c.155G>A (p.Arg52Gln)

Gene: GTPBP3 (GTP binding protein 3, mitochondrial; plus strand). Cytogenetic location: 19p13.11.
Variant type: single nucleotide variant.
Coding change: c.155G>A on transcript NM_032620.4 (MANE Select); coding-DNA position 155, G replaced by A.
Protein change: p.Arg52Gln; replaces arginine 52 with glutamine.
Molecular consequence: missense variant.
Genome position (GRCh38, 1-based): chr19:17,338,109, G>A. VCF-style: chr19-17338109-G-A. GRCh37 (hg19) VCF-style: chr19-17448918-G-A.
Other names: c.155G>A, p.Arg52Gln (NM_001128855.3, NM_133644.4); c.221G>A, p.Arg74Gln (NM_001195422.1); short protein forms R52Q, R74Q.
Identifiers: ClinVar variation 372869 (VCV000372869.1), dbSNP rs765129583, ClinGen allele CA9293245.
Genomic context (GRCh38, chr19:17,338,109, plus strand): 5'-CCGGCGCCACCATCTTCGCGCTAAGCTCTGGCCAAGGCCGCTGCGGCATCGCAGTGATCC[G>A]GACCAGCGGCCCCGCCAGCGGCCACGCCCTCCGAATTCTCACAGCACCCCGAGACCTGCC-3'
Protein context (NP_116009.2, residues 42-62): GQGRCGIAVI[Arg52Gln]TSGPASGHAL

ClinVar aggregate classification (germline): Likely pathogenic (1 of 4 stars; one submission).

Allele frequency attached by ClinVar (database versions not stated): TOPMed 0.00001 and 0.00002; ExAC 0.00003; gnomAD 0.00001 and 0.00003; gnomAD exomes 0.00001.

Submission:

GeneDx
Classification: Likely pathogenic. Last evaluated: 2016-04-22. Review status: criteria provided, single submitter. Criteria: GeneDx Variant Classification (06012015). Collection method: clinical testing. Allele origin: germline. Affected: yes.
Comment: The R52Q variant in the GTPBP3 gene has not been reported previously as a pathogenic variant, nor as a benign variant, to our knowledge. The R52Q variant was not observed in approximately 6400 individuals of European and African American ancestry in the NHLBI Exome Sequencing Project, indicating it is not a common benign variant in these populations. The R52Q variant is a semi-conservative amino acid substitution, which may impact secondary protein structure as these residues differ in some properties. This substitution occurs at a position that is conserved across species. In silico analysis predicts this variant is probably damaging to the protein structure/function. The R52Q variant is a strong candidate for a pathogenic variant, however the possibility it may be a rare benign variant cannot be excluded.